The following is an entry in ClinVar:

NM_000435.3(NOTCH3):c.4679G>C (p.Arg1560Pro)

Gene: NOTCH3 (notch receptor 3; minus strand). Cytogenetic location: 19p13.12.
Variant type: single nucleotide variant.
Coding change: c.4679G>C on transcript NM_000435.3 (MANE Select); coding-DNA position 4679, G replaced by C.
Protein change: p.Arg1560Pro; replaces arginine 1560 with proline.
Molecular consequence: missense variant.
Genome position (GRCh38, 1-based): chr19:15,174,125, C>G on the plus strand (G>C on the coding strand, the complement: NOTCH3 is on the minus strand). VCF-style: chr19-15174125-C-G. GRCh37 (hg19) VCF-style: chr19-15284936-C-G.
Other names: short protein forms R1560P.
Identifiers: ClinVar variation 256139 (VCV000256139.30), dbSNP rs78501403, ClinGen allele CA9262873.
Genomic context (GRCh38, chr19:15,174,125, plus strand): 5'-CACCCGATCACCTCGGGGGCCAGCTCCCGACGGGCCCGGGGTTCGGAGCCAGGACTAGGC[C>G]GGTGGTAAGGGAAGACCATGGCCTGGCCGTGCGCGTCCAGGCGGAAGCGCAGCGAGGTGC-3'
Protein context (NP_000426.2, residues 1550-1570): HGQAMVFPYH[Arg1560Pro]PSPGSEPRAR

ClinVar aggregate classification (germline): Benign/Likely benign. Review status: criteria provided, multiple submitters, no conflicts (2 of 4 stars). 9 submissions from 9 submitters: Benign (6); Likely benign (3). Last evaluated 2025-12-16.

Conditions:
Cerebral arteriopathy, autosomal dominant, with subcortical infarcts and leukoencephalopathy, type 1 (CADASIL1). Also called: CASIL; Cerebral arteriopathy with subcortical infarcts and leukoencephalopathy 1; DEMENTIA, HEREDITARY MULTIINFARCT TYPE; CADASIL 1. Identifiers: Orphanet 136, MedGen C4551768, MONDO:0000914, OMIM 125310.

Allele frequency attached by ClinVar (database versions not stated): ESP Exome Variant Server 0.00347; 1000 Genomes Project 30x 0.00359; 1000 Genomes Project 0.00379; gnomAD 0.00417; TOPMed 0.00545.
gnomAD v4.1: 1,432 of 1,604,112 alleles (0.089%); highest among the groups gnomAD compares: African/African-American, 1.7%; 9 homozygotes.

Submissions (9):

Labcorp Genetics (formerly Invitae), Labcorp
Classification: Benign. Last evaluated: 2025-12-16. Review status: criteria provided, single submitter. Criteria: Invitae Variant Classification Sherloc (09022015). Collection method: clinical testing. Allele origin: germline.

Athena Diagnostics
Classification: Benign. Last evaluated: 2025-09-22. Review status: criteria provided, single submitter. Criteria: Athena Diagnostics Criteria. Collection method: clinical testing. Allele origin: unknown.
Comment: The frequency of this variant in the general population is higher than would generally be expected for pathogenic variants in this gene.

Mayo Clinic Laboratories, Mayo Clinic
Classification: Benign. Last evaluated: 2025-04-15. Review status: criteria provided, single submitter. Criteria: ACMG Guidelines, 2015. Collection method: clinical testing. Allele origin: germline. Observed: 7 variant alleles.
Comment: BA1

Blueprint Genetics
Classification: Likely benign. Last evaluated: 2024-11-13. Review status: criteria provided, single submitter. Criteria: ACMG Guidelines, 2015. Collection method: clinical testing. Allele origin: germline.

ARUP Laboratories, Molecular Genetics and Genomics, ARUP Laboratories
Classification: Likely benign. Last evaluated: 2023-10-03. Review status: criteria provided, single submitter. Criteria: ARUP Molecular Germline Variant Investigation Process 2024. Collection method: clinical testing. Allele origin: germline.

GeneDx
Classification: Benign. Last evaluated: 2021-05-14. Review status: criteria provided, single submitter. Criteria: GeneDx Variant Classification Process June 2021. Collection method: clinical testing. Allele origin: germline. Affected: yes.
Comment: This variant is associated with the following publications: (PMID: 24086431)

Illumina Laboratory Services, Illumina
Classification: Benign for Cerebral arteriopathy, autosomal dominant, with subcortical infarcts and leukoencephalopathy, type 1. Last evaluated: 2018-01-13. Review status: criteria provided, single submitter. Criteria: ICSL Variant Classification Criteria 13 December 2019. Collection method: clinical testing. Allele origin: germline.
Comment: This variant was observed in the ICSL laboratory as part of a predisposition screen in an ostensibly healthy population. It had not been previously curated by ICSL or reported in the Human Gene Mutation Database (HGMD: prior to June 1st, 2018), and was therefore a candidate for classification through an automated scoring system. Utilizing variant allele frequency, disease prevalence and penetrance estimates, and inheritance mode, an automated score was calculated to assess if this variant is too frequent to cause the disease. Based on the score and internal cut-off values, a variant classified as benign is not then subjected to further curation. The score for this variant resulted in a classification of benign for this disease.

Breakthrough Genomics
Classification: Likely benign. Review status: criteria provided, single submitter. Criteria: ACMG Guidelines, 2015. Collection method: not provided. Allele origin: germline. Inheritance: Autosomal dominant inheritance. Affected: yes.

PreventionGenetics, part of Exact Sciences
Classification: Benign. Review status: criteria provided, single submitter. Criteria: ACMG Guidelines, 2015. Collection method: clinical testing. Allele origin: germline.

Literature cited by the submitters: PubMed 24086431 (cited by Athena Diagnostics and Mayo Clinic Laboratories, Mayo Clinic).